The following is an entry in ClinVar:

ClinVar aggregate classification (germline): Uncertain significance (1 of 4 stars; one submission).

Conditions:
Kabuki syndrome. Also called: Kabuki make-up syndrome; NIIKAWA-KUROKI SYNDROME. Identifiers: Orphanet 2322, MedGen C0796004, MONDO:0016512.

gnomAD v4.1: 1 of 1,613,422 alleles (0.000062%); highest among the groups gnomAD compares: Non-Finnish European, 0.000085%; no homozygotes.

Submission:

Labcorp Genetics (formerly Invitae), Labcorp
Classification: Uncertain significance for Kabuki syndrome. Last evaluated: 2024-04-15. Review status: criteria provided, single submitter. Criteria: Invitae Variant Classification Sherloc (09022015). Collection method: clinical testing. Allele origin: germline.
Comment: This sequence change replaces glutamine, which is neutral and polar, with arginine, which is basic and polar, at codon 3725 of the KMT2D protein (p.Gln3725Arg). This variant is not present in population databases (gnomAD no frequency). This variant has not been reported in the literature in individuals affected with KMT2D-related conditions. Advanced modeling of protein sequence and biophysical properties (such as structural, functional, and spatial information, amino acid conservation, physicochemical variation, residue mobility, and thermodynamic stability) performed at Invitae indicates that this missense variant is not expected to disrupt KMT2D protein function with a negative predictive value of 95%. In summary, the available evidence is currently insufficient to determine the role of this variant in disease. Therefore, it has been classified as a Variant of Uncertain Significance.

NM_003482.4(KMT2D):c.11174A>G (p.Gln3725Arg)

Gene: KMT2D (lysine methyltransferase 2D; minus strand). Cytogenetic location: 12q13.12.
Variant type: single nucleotide variant.
Coding change: c.11174A>G on transcript NM_003482.4 (MANE Select); coding-DNA position 11174, A replaced by G.
Protein change: p.Gln3725Arg; replaces glutamine 3725 with arginine.
Molecular consequence: missense variant.
Genome position (GRCh38, 1-based): chr12:49,033,531, T>C on the plus strand (A>G on the coding strand, the complement: KMT2D is on the minus strand). VCF-style: chr12-49033531-T-C. GRCh37 (hg19) VCF-style: chr12-49427314-T-C.
Other names: short protein forms Q3725R.
Identifiers: ClinVar variation 3605886 (VCV003605886.2).
Genomic context (GRCh38, chr12:49,033,531, plus strand): 5'-TGCTGCTGCTGTTGCTGCTGCTGCTGCTGCTGCAGTTTCTGGGCCAGCTGCATACGTTGC[T>C]GCTGCAGCTGCAGCTGCCTTTCCTGTAAAAGCCTTGAATCAGGTCCGAGGCTTCGAAGAG-3'
Protein context (NP_003473.3, residues 3715-3735): LLQERQLQLQ[Gln3725Arg]QRMQLAQKLQ